The following is an entry in ClinVar:

ClinVar aggregate classification (germline): Conflicting classifications of pathogenicity. Review status: criteria provided, conflicting classifications (1 of 4 stars). 3 submissions from 3 submitters: Likely pathogenic (1); Uncertain significance (2). Last evaluated 2024-07-25.

Conditions:
Mucopolysaccharidosis type 6 (MPS6). Also called: N-ACETYLGALACTOSAMINE-4-SULFATASE DEFICIENCY; MPS VI; MPS 6; Maroteaux Lamy syndrome; ARSB DEFICIENCY; ARYLSULFATASE B DEFICIENCY. Identifiers: Orphanet 583, MedGen C0026709, MONDO:0009661, OMIM 253200.

Submissions (3):

Natera, Inc.
Classification: Likely pathogenic for Mucopolysaccharidosis type VI. Last evaluated: 2024-07-25. Review status: criteria provided, single submitter. Criteria: Natera Variant Classification Schema (03/2026). Collection method: clinical testing. Allele origin: germline.
Comment: The c.440A>C variant in ARSB is a missense variant predicted to cause substitution of histidine to proline at amino acid 147. This variant is rare in the general population with a frequency below the threshold expected for the associated phenotype(s). This variant has been observed in one or more individuals affected with the associated recessive disease, as either homozygous or compound heterozygous with a second variant (PMID: 26909334). Computational prediction algorithms indicate this variant is likely to affect gene or protein function. Given the available evidence, this variant is classified as Likely Pathogenic.

Revvity Omics, Revvity
Classification: Uncertain significance for Mucopolysaccharidosis type 6. Last evaluated: 2021-06-23. Review status: criteria provided, single submitter. Criteria: ACMG Guidelines, 2015. Collection method: clinical testing. Allele origin: germline.

Laboratory of Diagnosis and Therapy of Lysosomal Disorders, University of Padova
Classification: Uncertain significance for Mucopolysaccharidosis type 6. Last evaluated: 2018-01-01. Review status: criteria provided, single submitter. Criteria: ACMG Guidelines, 2015. Collection method: curation. Allele origin: germline. Affected: yes.
Comment: Located in a well-established functional domain (PM1); Absent from GnomAD (PM2); Multiple lines of computational evidence support a deleterious effect on the gene product (PP3)

Literature cited by the submitters: PubMed 26909334 (cited by Natera, Inc. and Laboratory of Diagnosis and Therapy of Lysosomal Disorders, University of Padova); PubMed 30118150 (cited by Laboratory of Diagnosis and Therapy of Lysosomal Disorders, University of Padova).

NM_000046.5(ARSB):c.440A>C (p.His147Pro)

Gene: ARSB (arylsulfatase B; minus strand). Cytogenetic location: 5q14.1.
Variant type: single nucleotide variant.
Coding change: c.440A>C on transcript NM_000046.5 (MANE Select); coding-DNA position 440, A replaced by C.
Protein change: p.His147Pro; replaces histidine 147 with proline.
Molecular consequence: missense variant.
Genome position (GRCh38, 1-based): chr5:78,969,065, T>G on the plus strand (A>C on the coding strand, the complement: ARSB is on the minus strand). VCF-style: chr5-78969065-T-G. GRCh37 (hg19) VCF-style: chr5-78264888-T-G.
Other names: c.440A>C, p.His147Pro (NM_198709.3); short protein forms H147P.
Identifiers: ClinVar variation 559788 (VCV000559788.5), dbSNP rs1554088030, ClinGen allele CA360194032.
Genomic context (GRCh38, chr5:78,969,065, plus strand): 5'-CCAAAGTAGGTATCAAATCCTCGGCGGGTTGGAAGGCATTCTTTCCGGTACATTCCCAGG[T>G]GCCATTTTCCGACCATATGGGTAGTATAACCTGCTTCTTTTAGGAGCTGGGGCAGGAGTT-3'
Protein context (NP_000037.2, residues 137-157): GYTTHMVGKW[His147Pro]LGMYRKECLP